The following is an entry in ClinVar:

ClinVar aggregate classification (germline): Likely benign. Review status: criteria provided, multiple submitters, no conflicts (2 of 4 stars). 2 submissions from 2 submitters: Likely benign (2). Last evaluated 2024-11-25.

Allele frequency attached by ClinVar (database versions not stated): gnomAD exomes 0.00007; ExAC 0.00010; gnomAD 0.00012; 1000 Genomes Project 30x 0.00016; 1000 Genomes Project 0.00020; TOPMed 0.00021.
gnomAD v4.1: 81 of 1,043,822 alleles (0.0078%); highest among the groups gnomAD compares: Admixed American, 0.058%; no homozygotes.

Submissions (2):

Blueprint Genetics
Classification: Likely benign. Last evaluated: 2024-11-25. Review status: criteria provided, single submitter. Criteria: ACMG Guidelines, 2015. Collection method: clinical testing. Allele origin: germline.

CeGaT Center for Human Genetics Tuebingen
Classification: Likely benign. Last evaluated: 2024-06-01. Review status: criteria provided, single submitter. Criteria: CeGaT Center For Human Genetics Tuebingen Variant Classification Criteria Version 2. Collection method: clinical testing. Allele origin: germline. Affected: yes. Observed: 1 variant allele.
Comment: ACTN4: BP4, BP7

NM_004924.6(ACTN4):c.819+980C>T

Gene: ACTN4 (actinin alpha 4; plus strand). Cytogenetic location: 19q13.2.
Variant type: single nucleotide variant.
Coding change: c.819+980C>T on transcript NM_004924.6 (MANE Select); 980 bases into the intron after coding-DNA position 819, C replaced by T.
Molecular consequence: intron variant. On other transcripts: synonymous variant (2).
Genome position (GRCh38, 1-based): chr19:38,711,322, C>T. VCF-style: chr19-38711322-C-T. GRCh37 (hg19) VCF-style: chr19-39201962-C-T.
Other names: c.780C>T, p.Tyr260= (NM_001322033.2, NM_001411143.1).
Identifiers: ClinVar variation 3250882 (VCV003250882.19), dbSNP rs567693469.